The following is an entry in ClinVar:

NM_001267550.2(TTN):c.69517G>A (p.Gly23173Arg)

Genes: TTN (titin; minus strand), TTN-AS1 (TTN antisense RNA 1; plus strand). Cytogenetic location: 2q31.2.
Variant type: single nucleotide variant.
Coding change: c.69517G>A on transcript NM_001267550.2 (MANE Select); coding-DNA position 69517, G replaced by A.
Protein change: p.Gly23173Arg; replaces glycine 23173 with arginine.
Molecular consequence: missense variant.
Genome position (GRCh38, 1-based): chr2:178,576,727, C>T on the plus strand (G>A on the coding strand, the complement: TTN is on the minus strand). VCF-style: chr2-178576727-C-T. GRCh37 (hg19) VCF-style: chr2-179441454-C-T.
Other names: c.69517G>A (NM_001267550.1); c.64594G>A, p.Gly21532Arg (NM_001256850.1); c.42322G>A, p.Gly14108Arg (NM_003319.4); c.61813G>A, p.Gly20605Arg (NM_133378.4); c.42697G>A, p.Gly14233Arg (NM_133432.3); c.42898G>A, p.Gly14300Arg (NM_133437.4); short protein forms G23173R, G20605R, G21532R, G14108R, G14233R, G14300R.
Identifiers: ClinVar variation 467420 (VCV000467420.16), dbSNP rs773592810, ClinGen allele CA1990924.

ClinVar aggregate classification (germline): Conflicting classifications of pathogenicity. Review status: criteria provided, conflicting classifications (1 of 4 stars). 7 submissions from 7 submitters: Uncertain significance (6); Likely benign (1). Last evaluated 2026-02-20.

Conditions:
Cardiovascular phenotype. Identifiers: MedGen CN230736.
Autosomal recessive limb-girdle muscular dystrophy type 2J (LGMDR10). Also called: Limb-girdle muscular dystrophy, type 2J; MUSCULAR DYSTROPHY, LIMB-GIRDLE, AUTOSOMAL RECESSIVE 10. Identifiers: Orphanet 140922, MedGen C1837342, MONDO:0012127, OMIM 608807.
Dilated cardiomyopathy 1G (CMD1G). Identifiers: Orphanet 154, MedGen C1858763, MONDO:0011400, OMIM 604145.
TTN-related disorder. Also called: TTN-related condition; TTN-related disease; TTN-related disorders.

Allele frequency attached by ClinVar (database versions not stated): ExAC 0.00001; gnomAD 0.00002; gnomAD exomes 0.00002 and 0.00003; TOPMed 0.00002.
gnomAD v4.1: 43 of 1,613,378 alleles (0.0027%); highest among the groups gnomAD compares: Non-Finnish European, 0.0036%; no homozygotes.

Submissions (7):

PreventionGenetics, part of Exact Sciences
Classification: Uncertain significance for TTN-related condition. Last evaluated: 2026-02-20. Review status: criteria provided, single submitter. Criteria: ACMG Guidelines, 2015. Collection method: clinical testing. Allele origin: germline.
Comment: The TTN c.69517G>A variant is predicted to result in the amino acid substitution p.Gly23173Arg. To our knowledge, this variant has not been reported in the literature. This variant is reported in 0.0039% of alleles in individuals of European (Non-Finnish) descent in gnomAD. At this time, the clinical significance of this variant is uncertain due to the absence of conclusive functional and genetic evidence.

GeneDx
Classification: Uncertain significance. Last evaluated: 2024-12-27. Review status: criteria provided, single submitter. Criteria: GeneDx Variant Classification Process June 2021. Collection method: clinical testing. Allele origin: germline. Affected: yes.
Comment: Not observed at significant frequency in large population cohorts (gnomAD); Missense variant in a gene in which most reported pathogenic variants are truncating/loss of function; Has not been previously published as pathogenic or benign to our knowledge; Located in the A-band, a region of TTN for which truncating variants are significantly associated with autosomal dominant cardiomyopathy and also with autosomal recessive skeletal myopathies (PMID: 22335739, 32778822)

Blueprint Genetics
Classification: Likely benign. Last evaluated: 2024-09-06. Review status: criteria provided, single submitter. Criteria: ACMG Guidelines, 2015. Collection method: clinical testing. Allele origin: germline.

Ambry Genetics
Classification: Uncertain significance for Cardiovascular phenotype. Last evaluated: 2019-03-18. Review status: criteria provided, single submitter. Criteria: Ambry Variant Classification Scheme 2023. Collection method: clinical testing. Allele origin: germline.
Comment: The p.G14108R variant (also known as c.42322G>A), located in coding exon 152 of the TTN gene, results from a G to A substitution at nucleotide position 42322. The glycine at codon 14108 is replaced by arginine, an amino acid with dissimilar properties. This amino acid position is highly conserved in available vertebrate species. In addition, this alteration is predicted to be probably damaging by PolyPhen in silico analyses. Since supporting evidence is limited at this time, the clinical significance of this alteration remains unclear.

Laboratory for Molecular Medicine, Mass General Brigham Personalized Medicine
Classification: Uncertain significance. Last evaluated: 2018-08-29. Review status: criteria provided, single submitter. Criteria: LMM Criteria. Collection method: clinical testing. Allele origin: germline. Observed: 1 variant allele.
Comment: The p.Gly20605Arg variant in TTN has not been previously reported in individuals with cardiomyopathy but has been identified in 5/126040 European chromosomes by the Genome Aggregation Database (gnomAD). Thi s variant has also been reported in ClinVar (Variation ID 467420). Computational prediction tools and conservation analysis suggest that the p.Gly20605Arg varia nt may impact the protein, though this information is not predictive enough to d etermine pathogenicity. In summary, the clinical significance of the p.Gly20605A rg variant is uncertain. ACMG/AMP Criteria applied: PP3.

Labcorp Genetics (formerly Invitae), Labcorp
Classification: Uncertain significance for Dilated cardiomyopathy 1G; Autosomal recessive limb-girdle muscular dystrophy type 2J. Last evaluated: 2017-12-21. Review status: criteria provided, single submitter. Criteria: Invitae Variant Classification Sherloc (09022015). Collection method: clinical testing. Allele origin: germline.

Eurofins Ntd Llc (ga)
Classification: Uncertain significance. Last evaluated: 2016-10-26. Review status: criteria provided, single submitter. Criteria: EGL Classification Definitions 2015. Collection method: clinical testing. Allele origin: germline. Observed: 1 variant allele, 1 heterozygote.